The following is an entry in ClinVar:

NM_020184.4(CNNM4):c.2035_2053dup (p.Gln685fs)

Gene: CNNM4 (cyclin and CBS domain divalent metal cation transport mediator 4; plus strand). Cytogenetic location: 2q11.2.
Variant type: Duplication.
Coding change: c.2035_2053dup on transcript NM_020184.4 (MANE Select); coding-DNA positions 2035 to 2053, 19 bases duplicated (TTGGCAGGCAGCAGCAACC).
Protein change: p.Gln685fs; shifts the reading frame from glutamine 685.
Molecular consequence: frameshift variant.
Genome position (GRCh38, 1-based): chr2:96,808,647-96,808,665, TTGGCAGGCAGCAGCAACC duplicated; duplicating any 19 consecutive bases within chr2:96,808,638-96,808,665 gives the same sequence; the c. name uses the placement nearest the transcript's 3' end. VCF-style (leftmost placement, unchanged base first): chr2-96808637-T-TGCAGCAACCTTGGCAGGCA. GRCh37 (hg19) VCF-style: chr2-97474374-T-TGCAGCAACCTTGGCAGGCA.
Other names: short protein forms Q685fs.
Identifiers: ClinVar variation 2768104 (VCV002768104.3), dbSNP rs761062776, ClinGen allele CA1783548.

ClinVar aggregate classification (germline): Pathogenic (1 of 4 stars; one submission).

Submission:

Labcorp Genetics (formerly Invitae), Labcorp
Classification: Pathogenic. Last evaluated: 2023-10-13. Review status: criteria provided, single submitter. Criteria: Invitae Variant Classification Sherloc (09022015). Collection method: clinical testing. Allele origin: germline.
Comment: This sequence change creates a premature translational stop signal (p.Gln685Leufs*19) in the CNNM4 gene. While this is not anticipated to result in nonsense mediated decay, it is expected to disrupt the last 91 amino acid(s) of the CNNM4 protein. This variant is present in population databases (rs761062776, gnomAD 0.0008%). This variant has not been reported in the literature in individuals affected with CNNM4-related conditions. This variant disrupts a region of the CNNM4 protein in which other variant(s) (p.Gln717*) have been determined to be pathogenic (PMID: 19200525). This suggests that this is a clinically significant region of the protein, and that variants that disrupt it are likely to be disease-causing. For these reasons, this variant has been classified as Pathogenic.

Literature cited by the submitters: PubMed 19200525.